The following is an entry in ClinVar:

ClinVar aggregate classification (germline): Uncertain significance. Review status: criteria provided, multiple submitters, no conflicts (2 of 4 stars). 3 submissions from 3 submitters: Uncertain significance (3). Last evaluated 2025-11-02.

Conditions:
Cardiovascular phenotype. Identifiers: MedGen CN230736.
Cardiomyopathy (CMYO). Also called: Cardiomyopathies. Identifiers: Orphanet 167848, MedGen C0878544, MONDO:0004994, HP:0001638. Inheritance: Various modes of inheritance.
Hypertrophic cardiomyopathy. Also called: HYPERTROPHIC MYOCARDIOPATHY. Identifiers: Orphanet 217569, MedGen C0007194, MeSH D002312, MONDO:0005045, HP:0001639.

Allele frequency attached by ClinVar (database versions not stated): gnomAD exomes below 0.00001.

Submissions (3):

Ambry Genetics
Classification: Uncertain significance for Cardiovascular phenotype. Last evaluated: 2025-11-02. Review status: criteria provided, single submitter. Criteria: Ambry Variant Classification Scheme 2023. Collection method: clinical testing. Allele origin: germline.
Comment: The p.E92K variant (also known as c.274G>A), located in coding exon 5 of the TNNI3 gene, results from a G to A substitution at nucleotide position 274. The glutamic acid at codon 92 is replaced by lysine, an amino acid with similar properties. This amino acid position is conserved. In addition, the in silico prediction for this alteration is inconclusive. Based on the available evidence, the clinical significance of this variant remains unclear.

Color Diagnostics, LLC DBA Color Health
Classification: Uncertain significance for Cardiomyopathy. Last evaluated: 2024-03-06. Review status: criteria provided, single submitter. Criteria: ACMG Guidelines, 2015. Collection method: clinical testing. Allele origin: germline.
Comment: This missense variant replaces glutamic acid with lysine at codon 92 of the TNNI3 protein. Computational prediction is inconclusive regarding the impact of this variant on protein structure and function (internally defined REVEL score threshold 0.5 < inconclusive < 0.7, PMID: 27666373). To our knowledge, functional studies have not been reported for this variant. This variant has not been reported in individuals affected with cardiovascular disorders in the literature. This variant has not been identified in the general population by the Genome Aggregation Database (gnomAD). The available evidence is insufficient to determine the role of this variant in disease conclusively. Therefore, this variant is classified as a Variant of Uncertain Significance.

All of Us Research Program, National Institutes of Health
Classification: Uncertain significance for Hypertrophic cardiomyopathy. Last evaluated: 2023-11-30. Review status: criteria provided, single submitter. Criteria: ACMG Guidelines, 2015. Collection method: clinical testing. Allele origin: germline. Inheritance: Autosomal dominant inheritance. Observed: 1 variant allele, 1 heterozygote.
Comment: This missense variant replaces glutamic acid with lysine at codon 92 of the TNNI3 protein. Computational prediction is inconclusive regarding the impact of this variant on protein structure and function (internally defined REVEL score threshold 0.5 < inconclusive < 0.7, PMID: 27666373). To our knowledge, functional studies have not been reported for this variant. This variant has not been reported in individuals affected with cardiovascular disorders in the literature. This variant has not been identified in the general population by the Genome Aggregation Database (gnomAD). The available evidence is insufficient to determine the role of this variant in disease conclusively. Therefore, this variant is classified as a Variant of Uncertain Significance.

This study involves interpretation of variants in research participants for the purpose of population health screening. Participant phenotype was not available at the time of variant classification. Additional details can be found in publication PMID: 35346344, PMCID: PMC8962531

NM_000363.5(TNNI3):c.274G>A (p.Glu92Lys)

Gene: TNNI3 (troponin I3, cardiac type; minus strand). Cytogenetic location: 19q13.42.
Variant type: single nucleotide variant.
Coding change: c.274G>A on transcript NM_000363.5 (MANE Select); coding-DNA position 274, G replaced by A.
Protein change: p.Glu92Lys; replaces glutamic acid 92 with lysine.
Molecular consequence: missense variant.
Genome position (GRCh38, 1-based): chr19:55,156,209, C>T on the plus strand (G>A on the coding strand, the complement: TNNI3 is on the minus strand). VCF-style: chr19-55156209-C-T. GRCh37 (hg19) VCF-style: chr19-55667577-C-T.
Other names: short protein forms E92K.
Identifiers: ClinVar variation 924276 (VCV000924276.7), dbSNP rs2085728215, ClinGen allele CA407441670.
Genomic context (GRCh38, chr19:55,156,209, plus strand): 5'-CTGTACTGCTGAATTCCGGGACTAGAAACCTCGCATCCTTGGGAGCCGGTACCTGCAGCT[C>T]CGCGAAGCCCAGCCCGGCCAACTCCAGCGGCTGGCAGCGGGTGCTCAGAGCGCGCCCCTT-3'
Protein context (NP_000354.4, residues 82-102): PLELAGLGFA[Glu92Lys]LQDLCRQLHA